The following is an entry in ClinVar:

NM_001291303.3(FAT4):c.12458C>T (p.Ala4153Val)

Gene: FAT4 (FAT atypical cadherin 4; plus strand). Cytogenetic location: 4q28.1.
Variant type: single nucleotide variant.
Coding change: c.12458C>T on transcript NM_001291303.3 (MANE Select); coding-DNA position 12458, C replaced by T.
Protein change: p.Ala4153Val; replaces alanine 4153 with valine.
Molecular consequence: missense variant.
Genome position (GRCh38, 1-based): chr4:125,477,313, C>T. VCF-style: chr4-125477313-C-T. GRCh37 (hg19) VCF-style: chr4-126398468-C-T.
Other names: c.12458C>T, p.Ala4153Val (NM_001291285.3, NM_001438396.1, NM_001438397.1); c.7229C>T, p.Ala2410Val (NM_001437895.1); c.12452C>T, p.Ala4151Val (NM_024582.6); short protein forms A4153V, A4151V, A2410V.
Identifiers: ClinVar variation 4767968 (VCV004767968.1).

ClinVar aggregate classification (germline): Uncertain significance (1 of 4 stars; one submission).

gnomAD v4.1: 8 of 1,580,842 alleles (0.00051%); highest among the groups gnomAD compares: Non-Finnish European, 0.00069%; no homozygotes.

Submission:

Labcorp Genetics (formerly Invitae), Labcorp
Classification: Uncertain significance. Last evaluated: 2025-12-20. Review status: criteria provided, single submitter. Criteria: Invitae Variant Classification Sherloc (09022015). Collection method: clinical testing. Allele origin: germline.
Comment: This sequence change replaces alanine, which is neutral and non-polar, with valine, which is neutral and non-polar, at codon 4151 of the FAT4 protein (p.Ala4151Val). This variant is not present in population databases (gnomAD no frequency). This variant has not been reported in the literature in individuals affected with FAT4-related conditions. Invitae Evidence Modeling of protein sequence and biophysical properties (such as structural, functional, and spatial information, amino acid conservation, physicochemical variation, residue mobility, and thermodynamic stability) indicates that this missense variant is not expected to disrupt FAT4 protein function with a negative predictive value of 95%. In summary, the available evidence is currently insufficient to determine the role of this variant in disease. Therefore, it has been classified as a Variant of Uncertain Significance.